The following is an entry in ClinVar:

NM_206933.4(USH2A):c.1942A>G (p.Thr648Ala)

Gene: USH2A (usherin; minus strand). Cytogenetic location: 1q41.
Variant type: single nucleotide variant.
Coding change: c.1942A>G on transcript NM_206933.4 (MANE Select); coding-DNA position 1942, A replaced by G.
Protein change: p.Thr648Ala; replaces threonine 648 with alanine.
Molecular consequence: missense variant.
Genome position (GRCh38, 1-based): chr1:216,289,309, T>C on the plus strand (A>G on the coding strand, the complement: USH2A is on the minus strand). VCF-style: chr1-216289309-T-C. GRCh37 (hg19) VCF-style: chr1-216462651-T-C.
Other names: c.1942A>G, p.Thr648Ala (NM_007123.6); short protein forms T648A.
Identifiers: ClinVar variation 506005 (VCV000506005.6), dbSNP rs1239032275, ClinGen allele CA344902646.

ClinVar aggregate classification (germline): Conflicting classifications of pathogenicity. Review status: criteria provided, conflicting classifications (1 of 4 stars). 2 submissions from 2 submitters: Uncertain significance (1); Likely benign (1). Last evaluated 2023-10-06.

Allele frequency attached by ClinVar (database versions not stated): TOPMed below 0.00001; gnomAD 0.00001; gnomAD exomes 0.00001.
gnomAD v4.1: 9 of 1,613,866 alleles (0.00056%); highest among the groups gnomAD compares: Non-Finnish European, 0.00076%; no homozygotes.

Submissions (2):

Blueprint Genetics
Classification: Uncertain significance. Last evaluated: 2023-10-06. Review status: criteria provided, single submitter. Criteria: ACMG Guidelines, 2015. Collection method: clinical testing. Allele origin: germline.

Laboratory for Molecular Medicine, Mass General Brigham Personalized Medicine
Classification: Likely benign. Last evaluated: 2017-08-10. Review status: criteria provided, single submitter. Criteria: LMM Criteria. Collection method: clinical testing. Allele origin: germline. Observed: 1 variant allele.
Comment: p.Thr648Ala in exon 11 of USH2A: This variant is not expected to have clinical s ignificance due to a lack of conservation across species, including mammals. Of note, 6 mammals have an alanine (Ala) at this position. In addition, computation al prediction tools do not suggest a high likelihood of impact to the protein.